The following is an entry in ClinVar:

ClinVar aggregate classification (germline): Uncertain significance (1 of 4 stars; one submission).

Submission:

Ambry Genetics
Classification: Uncertain significance. Last evaluated: 2024-05-24. Review status: criteria provided, single submitter. Criteria: Ambry Variant Classification Scheme 2023. Collection method: clinical testing. Allele origin: germline.
Comment: The p.F562L variant (also known as c.1686T>G), located in coding exon 9 of the PALLD gene, results from a T to G substitution at nucleotide position 1686. The phenylalanine at codon 562 is replaced by leucine, an amino acid with highly similar properties. This amino acid position is conserved. In addition, this alteration is predicted to be tolerated by in silico analysis. Since supporting evidence is limited at this time, the clinical significance of this alteration remains unclear.

NM_001166108.2(PALLD):c.1686T>G (p.Phe562Leu)

Gene: PALLD (palladin, cytoskeletal associated protein; plus strand). Cytogenetic location: 4q32.3.
Variant type: single nucleotide variant.
Coding change: c.1686T>G on transcript NM_001166108.2 (MANE Select); coding-DNA position 1686, T replaced by G.
Protein change: p.Phe562Leu; replaces phenylalanine 562 with leucine.
Molecular consequence: missense variant.
Genome position (GRCh38, 1-based): chr4:168,711,645, T>G. VCF-style: chr4-168711645-T-G. GRCh37 (hg19) VCF-style: chr4-169632796-T-G.
Other names: c.540T>G, p.Phe180Leu (NM_001166109.2); c.1686T>G, p.Phe562Leu (NM_016081.4); short protein forms F562L, F180L.
Identifiers: ClinVar variation 1778028 (VCV001778028.3), dbSNP rs1784848604, ClinGen allele CA358797996.
Genomic context (GRCh38, chr4:168,711,645, plus strand): 5'-CACTGAAAACTGTAGTTACGAGTCAATGGGAGAATCCAACAATGACCACTTCCAACACTT[T>G]CCACCTCCCCCTCCAATCTTGGAGACAAGTTCCTTGGAGTTGGCTTCAAAGAAACCATCT-3'
Protein context (NP_001159580.1, residues 552-572): GESNNDHFQH[Phe562Leu]PPPPPILETS